The following is an entry in ClinVar:

ClinVar aggregate classification (germline): Conflicting classifications of pathogenicity. Review status: criteria provided, conflicting classifications (1 of 4 stars). 5 submissions from 5 submitters: Uncertain significance (1); Likely benign (2). 2 of the submissions do not count toward it. Last evaluated 2026-01-20.

Conditions:
CYP27A1-related disorder. Also called: CYP27A1-related condition.
Cholestanol storage disease (CTX). Also called: Cerebrotendinous Xanthomatosis; CEREBRAL CHOLESTERINOSIS; CTX: Cerebrotendinous xanthomatosis. Identifiers: Orphanet 909, MedGen C0238052, MONDO:0008948, OMIM 213700.
Cardiovascular phenotype. Identifiers: MedGen CN230736.

Allele frequency attached by ClinVar (database versions not stated): TOPMed 0.00003; ExAC 0.00004; gnomAD 0.00004 and 0.00007; gnomAD exomes 0.00004 and 0.00005; 1000 Genomes Project 30x 0.00016; 1000 Genomes Project 0.00020.
gnomAD v4.1: 68 of 1,614,230 alleles (0.0042%); highest among the groups gnomAD compares: East Asian, 0.045%; 1 homozygote.

Submissions (5):

Labcorp Genetics (formerly Invitae), Labcorp
Classification: Likely benign for Cholestanol storage disease. Last evaluated: 2026-01-20. Review status: criteria provided, single submitter. Criteria: Invitae Variant Classification Sherloc (09022015). Collection method: clinical testing. Allele origin: germline.

Blueprint Genetics
Classification: Uncertain significance. Last evaluated: 2023-10-18. Review status: criteria provided, single submitter. Criteria: ACMG Guidelines, 2015. Collection method: clinical testing. Allele origin: germline.

Ambry Genetics
Classification: Likely benign for Cardiovascular phenotype. Last evaluated: 2019-12-30. Review status: criteria provided, single submitter. Criteria: Ambry Variant Classification Scheme 2023. Collection method: clinical testing. Allele origin: germline.

Natera, Inc.
Classification: Likely benign for Cerebrotendinous xanthomatosis. Last evaluated: 2020-09-16. Review status: no assertion criteria provided. Collection method: clinical testing. Allele origin: germline. Not counted in ClinVar's aggregate classification.

PreventionGenetics, part of Exact Sciences
Classification: Likely benign for CYP27A1-related condition. Last evaluated: 2019-04-15. Review status: no assertion criteria provided. Collection method: clinical testing. Allele origin: germline. Not counted in ClinVar's aggregate classification.
Comment: This variant is classified as likely benign based on ACMG/AMP sequence variant interpretation guidelines (Richards et al. 2015 PMID: 25741868, with internal and published modifications).

NM_000784.4(CYP27A1):c.1509G>A (p.Pro503=)

Gene: CYP27A1 (cytochrome P450 family 27 subfamily A member 1; plus strand). Cytogenetic location: 2q35.
Variant type: single nucleotide variant.
Coding change: c.1509G>A on transcript NM_000784.4 (MANE Select); coding-DNA position 1509, G replaced by A.
Protein change: p.Pro503=; no amino-acid change (proline 503 retained).
Molecular consequence: synonymous variant.
Genome position (GRCh38, 1-based): chr2:218,814,943, G>A. VCF-style: chr2-218814943-G-A. GRCh37 (hg19) VCF-style: chr2-219679666-G-A.
Identifiers: ClinVar variation 726802 (VCV000726802.16), dbSNP rs577558935, ClinGen allele CA2112934.